The following is an entry in ClinVar:

ClinVar aggregate classification (germline): Benign. Review status: criteria provided, multiple submitters, no conflicts (2 of 4 stars). 2 submissions from 2 submitters: Benign (2). Last evaluated 2026-02-04.

Conditions:
Encephalopathy, acute, infection-induced (herpes-specific), susceptibility to, 6. Also called: Herpes simplex encephalitis, susceptibility to, 4. Identifiers: Orphanet 1930, MedGen C3553869, MONDO:0013921, OMIM 614850.

Submissions (2):

Labcorp Genetics (formerly Invitae), Labcorp
Classification: Benign for Encephalopathy, acute, infection-induced (herpes-specific), susceptibility to, 6. Last evaluated: 2026-02-04. Review status: criteria provided, single submitter. Criteria: Invitae Variant Classification Sherloc (09022015). Collection method: clinical testing. Allele origin: germline.

Laboratory for Molecular Medicine, Mass General Brigham Personalized Medicine
Classification: Benign. Last evaluated: 2016-03-29. Review status: criteria provided, single submitter. Criteria: LMM Criteria. Collection method: clinical testing. Allele origin: germline.
Comment: Variant identified in a genome or exome case(s) and assessed due to predicted null impact of the variant or pathogenic assertions in the literature or databases. Disclaimer: This variant has not undergone full assessment. The following are preliminary notes: Frequency

NM_182919.4(TICAM1):c.1078CCT[9] (p.Pro367dup)

Gene: TICAM1 (TIR domain containing adaptor molecule 1; minus strand). Cytogenetic location: 19p13.3.
Variant type: Microsatellite.
Coding change: c.1078CCT[9] on transcript NM_182919.4 (MANE Select); nine copies in a row of the 3-base unit CCT starting at c.1078; the reference has eight copies in a row; one copy, 3 bases duplicated.
Protein change: p.Pro367dup; duplicates proline 367.
Molecular consequence: inframe insertion.
Genome position (GRCh38, 1-based): chr19:4,817,277-4,817,279, AGG duplicated on the plus strand (CCT on the coding strand, the reverse complement: TICAM1 is on the minus strand); duplicating any 3 consecutive bases within chr19:4,817,277-4,817,300 gives the same sequence; the position shown is the placement nearest the transcript's 3' end. VCF-style (leftmost placement, unchanged base first): chr19-4817276-A-AAGG. GRCh37 (hg19) VCF-style: chr19-4817288-A-AAGG.
Other names: NM_182919.3:c.1099_1101dupCCT; p.Pro367dup; c.1036CCT[9], p.Pro353dup (NM_001385678.1); c.943CCT[9], p.Pro322dup (NM_001385679.1); c.436CCT[9], p.Pro153dup (NM_001385680.1).
Identifiers: ClinVar variation 403541 (VCV000403541.13), dbSNP rs11466722, ClinGen allele CA9105200.